The following is an entry in ClinVar:

NM_000127.3(EXT1):c.1722+2dup

Gene: EXT1 (exostosin glycosyltransferase 1; minus strand). Cytogenetic location: 8q24.11.
Variant type: Duplication.
Coding change: c.1722+2dup on transcript NM_000127.3 (MANE Select); the canonical splice donor site of the intron after coding-DNA position 1722, one base duplicated (T; older notation c.1722+2dupT).
Molecular consequence: splice donor variant.
Genome position (GRCh38, 1-based): chr8:117,812,870, A duplicated on the plus strand (T on the coding strand, the reverse complement: EXT1 is on the minus strand). VCF-style (leftmost placement, unchanged base first): chr8-117812869-T-TA. GRCh37 (hg19) VCF-style: chr8-118825108-T-TA.
Identifiers: ClinVar variation 2735198 (VCV002735198.3), dbSNP rs2488096467, ClinGen allele CA2695210116.

ClinVar aggregate classification (germline): Pathogenic (1 of 4 stars; one submission).

Conditions:
Multiple congenital exostosis (EXT). Also called: Hereditary multiple exostoses; Hereditary multiple exostosis; MULTIPLE CARTILAGINOUS EXOSTOSES; Multiple exostoses; Multiple osteochondromas; Hereditary multiple osteochondromas. Identifiers: Orphanet 321, MedGen C0015306, MONDO:0005508, HP:0002762.

Submission:

Labcorp Genetics (formerly Invitae), Labcorp
Classification: Pathogenic for Multiple congenital exostosis. Last evaluated: 2023-11-21. Review status: criteria provided, single submitter. Criteria: Invitae Variant Classification Sherloc (09022015). Collection method: clinical testing. Allele origin: germline.
Comment: This sequence change falls in intron 8 of the EXT1 gene. It does not directly change the encoded amino acid sequence of the EXT1 protein. It affects a nucleotide within the consensus splice site. This variant is not present in population databases (gnomAD no frequency). This variant has been observed in individual(s) with clinical features of multiple osteochondromatosis (PMID: 19810120; Invitae). In at least one individual the variant was observed to be de novo. Variants that disrupt the consensus splice site are a relatively common cause of aberrant splicing (PMID: 17576681, 9536098). Algorithms developed to predict the effect of sequence changes on RNA splicing suggest that this variant may disrupt the consensus splice site. For these reasons, this variant has been classified as Pathogenic.

Literature cited by the submitters: PubMed 19810120; PubMed 17576681; PubMed 9536098.